The following is an entry in ClinVar:

ClinVar aggregate classification (germline): Uncertain significance. Review status: criteria provided, multiple submitters, no conflicts (2 of 4 stars). 2 submissions from 2 submitters: Uncertain significance (2). Last evaluated 2025-06-26.

gnomAD v4.1: 9 of 1,613,890 alleles (0.00056%); highest among the groups gnomAD compares: African/African-American, 0.0067%; no homozygotes.

Submissions (2):

GeneDx
Classification: Uncertain significance. Last evaluated: 2025-06-26. Review status: criteria provided, single submitter. Criteria: GeneDx Variant Classification Process June 2021. Collection method: clinical testing. Allele origin: germline. Affected: yes.
Comment: Not observed at significant frequency in large population cohorts (gnomAD); In silico analysis suggests that this missense variant does not alter protein structure/function; Has not been previously published as pathogenic or benign to our knowledge

Mayo Clinic Laboratories, Mayo Clinic
Classification: Uncertain significance. Last evaluated: 2023-06-15. Review status: criteria provided, single submitter. Criteria: ACMG Guidelines, 2015. Collection method: clinical testing. Allele origin: germline. Observed: 1 variant allele.
Comment: BP4, PM2_moderate

NM_000108.5(DLD):c.742G>A (p.Val248Ile)

Gene: DLD (dihydrolipoamide dehydrogenase; plus strand). Cytogenetic location: 7q31.1.
Variant type: single nucleotide variant.
Coding change: c.742G>A on transcript NM_000108.5 (MANE Select); coding-DNA position 742, G replaced by A.
Protein change: p.Val248Ile; replaces valine 248 with isoleucine.
Molecular consequence: missense variant.
Genome position (GRCh38, 1-based): chr7:107,915,563, G>A. VCF-style: chr7-107915563-G-A. GRCh37 (hg19) VCF-style: chr7-107556008-G-A.
Other names: p.Val248Ile; c.445G>A, p.Val149Ile (NM_001289750.1); c.673G>A, p.Val225Ile (NM_001289751.1); c.598G>A, p.Val200Ile (NM_001289752.1); c.742G>A (NM_000108.3); short protein forms V149I, V200I, V225I, V248I.
Identifiers: ClinVar variation 3379787 (VCV003379787.2).
Genomic context (GRCh38, chr7:107,915,563, plus strand): 5'-CAGGGTTCAGTTTGGCAAAGACTTGGTGCAGATGTGACAGCAGTTGAATTTTTAGGTCAT[G>A]TAGGTGGAGTTGGAATTGATATGGAGATATCTAAAAACTTTCAACGCATCCTTCAAAAAC-3'
Protein context (NP_000099.2, residues 238-258): DVTAVEFLGH[Val248Ile]GGVGIDMEIS